The following is an entry in ClinVar:

ClinVar aggregate classification (germline): Uncertain significance (0 of 4 stars; one submission).

Conditions:
KIAA0825-related disorder. Also called: KIAA0825-related condition.

Allele frequency attached by ClinVar (database versions not stated): gnomAD exomes 0.00001.
gnomAD v4.1: 7 of 1,551,564 alleles (0.00045%); highest among the groups gnomAD compares: Non-Finnish European, 0.00061%; no homozygotes.

Submission:

PreventionGenetics, part of Exact Sciences
Classification: Uncertain significance for KIAA0825-related condition. Last evaluated: 2023-11-01. Review status: no assertion criteria provided. Collection method: clinical testing. Allele origin: germline.
Comment: The KIAA0825 c.2806G>T variant is predicted to result in the amino acid substitution p.Val936Phe. To our knowledge, this variant has not been reported in the literature or in a large population database, indicating this variant is rare. At this time, the clinical significance of this variant is uncertain due to the absence of conclusive functional and genetic evidence.

NM_001145678.3(KIAA0825):c.2806G>T (p.Val936Phe)

Gene: KIAA0825 (KIAA0825; minus strand). Cytogenetic location: 5q15.
Variant type: single nucleotide variant.
Coding change: c.2806G>T on transcript NM_001145678.3 (MANE Select); coding-DNA position 2806, G replaced by T.
Protein change: p.Val936Phe; replaces valine 936 with phenylalanine.
Molecular consequence: missense variant. On other transcripts: non-coding transcript variant (1).
Genome position (GRCh38, 1-based): chr5:94,403,650, C>A on the plus strand (G>T on the coding strand, the complement: KIAA0825 is on the minus strand). VCF-style: chr5-94403650-C-A. GRCh37 (hg19) VCF-style: chr5-93739355-C-A.
Other names: c.2821G>T, p.Val941Phe (NM_001385712.1, NM_001385713.1, NM_001388325.1); short protein forms V936F, V941F.
Identifiers: ClinVar variation 3033773 (VCV003033773.2), dbSNP rs2546614826, ClinGen allele CA360540056.